The following is an entry in ClinVar:

NM_133379.5(TTN):c.11757C>A (p.Phe3919Leu)

Gene: TTN (titin; minus strand). Cytogenetic location: 2q31.2.
Variant type: single nucleotide variant.
Coding change: c.11757C>A on transcript NM_133379.5 (MANE Plus Clinical); coding-DNA position 11757, C replaced by A.
Protein change: p.Phe3919Leu; replaces phenylalanine 3919 with leucine.
Molecular consequence: missense variant. On other transcripts: intron variant (6).
Genome position (GRCh38, 1-based): chr2:178,750,643, G>T on the plus strand (C>A on the coding strand, the complement: TTN is on the minus strand). VCF-style: chr2-178750643-G-T. GRCh37 (hg19) VCF-style: chr2-179615370-G-T.
Other names: p.F3919L:TTC>TTA; c.10222+2481C>A (NM_003319.4); c.10798+2481C>A (NM_133437.4); c.10597+2481C>A (NM_133432.3); c.10360+2481C>A (NM_133378.4, NM_001256850.1); c.11311+2481C>A (NM_001267550.2); short protein forms F3919L.
Identifiers: ClinVar variation 203188 (VCV000203188.2), dbSNP rs369074426, ClinGen allele CA311625.
Genomic context (GRCh38, chr2:178,750,643, plus strand): 5'-TGGGCGTTTTCGAAAAGAATTTTCAAAAAATCTCATGTTTTCTTCCTTCTGTTCGGTTTT[G>T]AATTCATCAATTCGTGTAGAAGCAGAGAGTTGTAATTCTCTCAAATCATCCTTTTTTATT-3'

ClinVar aggregate classification (germline): Uncertain significance (1 of 4 stars; one submission).

Submission:

GeneDx
Classification: Uncertain significance. Last evaluated: 2014-04-27. Review status: criteria provided, single submitter. Criteria: GeneDx Variant Classification (06012015). Collection method: clinical testing. Allele origin: germline. Affected: yes.
Comment: Missense variants in the TTN gene are considered 'unclassified' if they are not previously reported in the literature and do not have >1% frequency in the population to be considered a polymorphism. Research indicates that truncating mutations in the TTN gene are expected to account for approximately 25% of familial and 18% of sporadic idiopathic DCM; however, truncating variants in the TTN gene have been reported in approximately 3% of reported control alleles. There has been little investigation into non-truncating variants. (Herman D et al. Truncations of titin causing dilated cardiomyopathy. N Eng J Med 366:619-628, 2012) The variant is found in CARDIOMYOPATHY panel(s).